The following is an entry in ClinVar:

ClinVar aggregate classification (germline): Uncertain significance (1 of 4 stars; one submission).

Submission:

CeGaT Center for Human Genetics Tuebingen
Classification: Uncertain significance. Last evaluated: 2022-08-01. Review status: criteria provided, single submitter. Criteria: CeGaT Center For Human Genetics Tuebingen Variant Classification Criteria Version 2. Collection method: clinical testing. Allele origin: germline. Affected: yes. Observed: 1 variant allele.
Comment: NPRL3: PM2, BP4

NM_001077350.3(NPRL3):c.1594A>G (p.Asn532Asp)

Gene: NPRL3 (NPR3 like, GATOR1 complex subunit; minus strand). Cytogenetic location: 16p13.3.
Variant type: single nucleotide variant.
Coding change: c.1594A>G on transcript NM_001077350.3 (MANE Select); coding-DNA position 1594, A replaced by G.
Protein change: p.Asn532Asp; replaces asparagine 532 with aspartic acid.
Molecular consequence: missense variant.
Genome position (GRCh38, 1-based): chr16:86,821, T>C on the plus strand (A>G on the coding strand, the complement: NPRL3 is on the minus strand). VCF-style: chr16-86821-T-C. GRCh37 (hg19) VCF-style: chr16-136820-T-C.
Other names: c.1057A>G, p.Asn353Asp (NM_001039476.3); c.1360A>G, p.Asn454Asp (NM_001243247.2); c.1519A>G, p.Asn507Asp (NM_001243248.2, NM_001243249.2); short protein forms N353D, N454D, N507D, N532D.
Identifiers: ClinVar variation 2645770 (VCV002645770.24), dbSNP rs767536312, ClinGen allele CA394045200.
Genomic context (GRCh38, chr16:86,821, plus strand): 5'-CCAGCACGCTGCGGAACTTGTCAAACAGCATGAGCAGCTGGGAGCGCCGCGTGTTCTCGT[T>C]GTACATAATCTCCTCCAGGTGGTGGCGGCCGCGGAAGTAGTGAAGGAGCCTGGAAGGGAT-3'
Protein context (NP_001070818.1, residues 522-542): GRHHLEEIMY[Asn532Asp]ENTRRSQLLM